The following is an entry in ClinVar:

NM_000245.4(MET):c.2210G>A (p.Ser737Asn)

Gene: MET (MET proto-oncogene, receptor tyrosine kinase; plus strand). Cytogenetic location: 7q31.2.
Variant type: single nucleotide variant.
Coding change: c.2210G>A on transcript NM_000245.4 (MANE Select); coding-DNA position 2210, G replaced by A.
Protein change: p.Ser737Asn; replaces serine 737 with asparagine.
Molecular consequence: missense variant.
Genome position (GRCh38, 1-based): chr7:116,758,566, G>A. VCF-style: chr7-116758566-G-A. GRCh37 (hg19) VCF-style: chr7-116398620-G-A.
Other names: c.2210G>A, p.Ser737Asn (NM_001127500.3, NM_001324401.3); c.920G>A, p.Ser307Asn (NM_001324402.2); short protein forms S737N, S307N.
Identifiers: ClinVar variation 246629 (VCV000246629.7), dbSNP rs879254333, ClinGen allele CA10584663.

ClinVar aggregate classification (germline): Uncertain significance (1 of 4 stars; one submission).

Conditions:
Renal cell carcinoma (RCCP1). Identifiers: Orphanet 217071, MedGen C0007134, MeSH D002292, MONDO:0005086, HP:0005584.

Submission:

Labcorp Genetics (formerly Invitae), Labcorp
Classification: Uncertain significance for Renal cell carcinoma. Last evaluated: 2021-08-27. Review status: criteria provided, single submitter. Criteria: Invitae Variant Classification Sherloc (09022015). Collection method: clinical testing. Allele origin: germline.
Comment: This sequence change replaces serine with asparagine at codon 737 of the MET protein (p.Ser737Asn). The serine residue is weakly conserved and there is a small physicochemical difference between serine and asparagine. This variant is not present in population databases (ExAC no frequency). This variant has not been reported in the literature in individuals affected with MET-related conditions. Algorithms developed to predict the effect of missense changes on protein structure and function (SIFT, PolyPhen-2, Align-GVGD) all suggest that this variant is likely to be tolerated. In summary, the available evidence is currently insufficient to determine the role of this variant in disease. Therefore, it has been classified as a Variant of Uncertain Significance.